The following is an entry in ClinVar:

Conditions:
Arteriohepatic dysplasia. Also called: Alagille Syndrome. Identifiers: Orphanet 52, MedGen C0085280, MeSH D016738, MONDO:0007318.

Submission:

Gilbert/Spinner Lab, Children's Hospital of Philadelphia
No classification provided (evidence only). Condition: Alagille syndrome. Review status: no classification provided. Collection method: research. Allele origin: not applicable. Functional consequence: functionally_abnormal.
ClinVar note: "not provided" was previously submitted as the classification for the variant. However, the classification appeared to be based only on an observation of functional data so it was converted to no classification on 2025-07-30.

NM_000214.3(JAG1):c.861C>A (p.Asn287Lys)

Gene: JAG1 (jagged canonical Notch ligand 1; minus strand). Cytogenetic location: 20p12.2.
Variant type: single nucleotide variant.
Coding change: c.861C>A on transcript NM_000214.3 (MANE Select); coding-DNA position 861, C replaced by A.
Protein change: p.Asn287Lys; replaces asparagine 287 with lysine.
Molecular consequence: missense variant.
Genome position (GRCh38, 1-based): chr20:10,652,493, G>T on the plus strand (C>A on the coding strand, the complement: JAG1 is on the minus strand). VCF-style: chr20-10652493-G-T. GRCh37 (hg19) VCF-style: chr20-10633141-G-T.
Other names: short protein forms N287K.
Identifiers: ClinVar variation 3573150 (VCV003573150.2).